The following is an entry in ClinVar:

NM_001080512.3(BICC1):c.2456G>A (p.Arg819Gln)

Gene: BICC1 (BicC family RNA binding protein 1; plus strand). Cytogenetic location: 10q21.1.
Variant type: single nucleotide variant.
Coding change: c.2456G>A on transcript NM_001080512.3 (MANE Select); coding-DNA position 2456, G replaced by A.
Protein change: p.Arg819Gln; replaces arginine 819 with glutamine.
Molecular consequence: missense variant.
Genome position (GRCh38, 1-based): chr10:58,813,909, G>A. VCF-style: chr10-58813909-G-A. GRCh37 (hg19) VCF-style: chr10-60573669-G-A.
Other names: c.2456G>A (NM_001080512.1, NM_001080512.2); short protein forms R819Q.
Identifiers: ClinVar variation 2055734 (VCV002055734.6), dbSNP rs138398480, ClinGen allele CA5508811.
Genomic context (GRCh38, chr10:58,813,909, plus strand): 5'-CACGGTCCAACAGTCGTGAGCACTTGGGAGGTGGAAGCGAATCTGATAACTGGAGAGACC[G>A]AAATGGAATTGGACCTGGAAGTCATAGTGAATTTGCAGCTTCTATTGGCAGCCCTAAGCG-3'
Protein context (NP_001073981.1, residues 809-829): GGSESDNWRD[Arg819Gln]NGIGPGSHSE

ClinVar aggregate classification (germline): Conflicting classifications of pathogenicity. Review status: criteria provided, conflicting classifications (1 of 4 stars). 3 submissions from 3 submitters: Uncertain significance (1); Likely benign (1). 1 of the submissions does not count toward it. Last evaluated 2025-11-10.

Conditions:
BICC1-related disorder. Also called: BICC1-related condition.

Allele frequency attached by ClinVar (database versions not stated): gnomAD exomes 0.00009; 1000 Genomes Project 30x 0.00047; 1000 Genomes Project 0.00060; gnomAD 0.00068; TOPMed 0.00090; ESP Exome Variant Server 0.00108.
gnomAD v4.1: 237 of 1,614,064 alleles (0.015%); highest among the groups gnomAD compares: African/African-American, 0.23%; no homozygotes.

Submissions (3):

Labcorp Genetics (formerly Invitae), Labcorp
Classification: Likely benign. Last evaluated: 2025-11-10. Review status: criteria provided, single submitter. Criteria: Invitae Variant Classification Sherloc (09022015). Collection method: clinical testing. Allele origin: germline.

Ambry Genetics
Classification: Uncertain significance. Last evaluated: 2024-03-08. Review status: criteria provided, single submitter. Criteria: Ambry Variant Classification Scheme 2023. Collection method: clinical testing. Allele origin: germline.

PreventionGenetics, part of Exact Sciences
Classification: Likely benign for BICC1-related condition. Last evaluated: 2024-06-28. Review status: no assertion criteria provided. Collection method: clinical testing. Allele origin: germline. Not counted in ClinVar's aggregate classification.
Comment: This variant is classified as likely benign based on ACMG/AMP sequence variant interpretation guidelines (Richards et al. 2015 PMID: 25741868, with internal and published modifications).